The following is an entry in ClinVar:

NM_001378183.1(PIEZO2):c.6631C>T (p.Arg2211Cys)

Gene: PIEZO2 (piezo type mechanosensitive ion channel component 2; minus strand). Cytogenetic location: 18p11.22.
Variant type: single nucleotide variant.
Coding change: c.6631C>T on transcript NM_001378183.1 (MANE Select); coding-DNA position 6631, C replaced by T.
Protein change: p.Arg2211Cys; replaces arginine 2211 with cysteine.
Molecular consequence: missense variant.
Genome position (GRCh38, 1-based): chr18:10,698,988, G>A on the plus strand (C>T on the coding strand, the complement: PIEZO2 is on the minus strand). VCF-style: chr18-10698988-G-A. GRCh37 (hg19) VCF-style: chr18-10698986-G-A.
Other names: c.6367C>T, p.Arg2123Cys (NM_001410871.1); c.6292C>T, p.Arg2098Cys (NM_022068.4); short protein forms R2098C, R2211C, R2123C.
Identifiers: ClinVar variation 3932126 (VCV003932126.2).

ClinVar aggregate classification (germline): Uncertain significance. Review status: criteria provided, multiple submitters, no conflicts (2 of 4 stars). 2 submissions from 2 submitters: Uncertain significance (2). Last evaluated 2025-10-09.

Conditions:
Inborn genetic diseases. Identifiers: MedGen C0950123, MeSH D030342.

gnomAD v4.1: 70 of 1,536,820 alleles (0.0046%); highest among the groups gnomAD compares: Middle Eastern, 0.083%; no homozygotes.

Submissions (2):

Women's Health and Genetics/Laboratory Corporation of America, LabCorp
Classification: Uncertain significance. Last evaluated: 2025-10-09. Review status: criteria provided, single submitter. Criteria: LabCorp Variant Classification Summary - May 2015. Collection method: clinical testing. Allele origin: germline.
Comment: Variant summary: PIEZO2 c.6292C>T (p.Arg2098Cys) results in a non-conservative amino acid change in the encoded protein sequence. Algorithms developed to predict the effect of missense changes on protein structure and function are either unavailable or do not agree on the potential impact of this missense change. The variant allele was found at a frequency of 8.5e-05 in 141104 control chromosomes. This frequency is not significantly higher than estimated for disease-causing variants in PIEZO2, allowing no conclusion about variant significance. To our knowledge, no occurrence of c.6292C>T in individuals affected with PIEZO2-related conditions and no experimental evidence demonstrating its impact on protein function have been reported. ClinVar contains an entry for this variant (Variation ID: 3932126). Based on the evidence outlined above, the variant was classified as uncertain significance.

Ambry Genetics
Classification: Uncertain significance for Inborn genetic diseases. Last evaluated: 2025-06-07. Review status: criteria provided, single submitter. Criteria: Ambry Variant Classification Scheme 2023. Collection method: clinical testing. Allele origin: germline.